The following is an entry in ClinVar:

NM_021942.6(TRAPPC11):c.1664T>A (p.Ile555Asn)

Gene: TRAPPC11 (trafficking protein particle complex subunit 11; plus strand). Cytogenetic location: 4q35.1.
Variant type: single nucleotide variant.
Coding change: c.1664T>A on transcript NM_021942.6 (MANE Select); coding-DNA position 1664, T replaced by A.
Protein change: p.Ile555Asn; replaces isoleucine 555 with asparagine.
Molecular consequence: missense variant.
Genome position (GRCh38, 1-based): chr4:183,685,305, T>A. VCF-style: chr4-183685305-T-A. GRCh37 (hg19) VCF-style: chr4-184606458-T-A.
Other names: c.1664T>A, p.Ile555Asn (NM_199053.3); short protein forms I555N.
Identifiers: ClinVar variation 861169 (VCV000861169.12), dbSNP rs752315503, ClinGen allele CA3151996.

ClinVar aggregate classification (germline): Uncertain significance. Review status: criteria provided, multiple submitters, no conflicts (2 of 4 stars). 2 submissions from 2 submitters: Uncertain significance (2). Last evaluated 2025-10-27.

Conditions:
Autosomal recessive limb-girdle muscular dystrophy type R18 (LGMDR18). Also called: MUSCULAR DYSTROPHY, LIMB-GIRDLE, AUTOSOMAL RECESSIVE 18; Limb-girdle muscular dystrophy, type 2S; Autosomal recessive limb-girdle muscular dystrophy type 2S. Identifiers: Orphanet 369840, MedGen C4517996, MONDO:0014144, OMIM 615356.

Allele frequency attached by ClinVar (database versions not stated): TOPMed 0.00001; ExAC 0.00003; gnomAD exomes 0.00004.
gnomAD v4.1: 15 of 1,614,154 alleles (0.00093%); highest among the groups gnomAD compares: East Asian, 0.031%; no homozygotes.

Submissions (2):

Labcorp Genetics (formerly Invitae), Labcorp
Classification: Uncertain significance for Autosomal recessive limb-girdle muscular dystrophy type R18. Last evaluated: 2025-10-27. Review status: criteria provided, single submitter. Criteria: Invitae Variant Classification Sherloc (09022015). Collection method: clinical testing. Allele origin: germline.
Comment: This sequence change replaces isoleucine, which is neutral and non-polar, with asparagine, which is neutral and polar, at codon 555 of the TRAPPC11 protein (p.Ile555Asn). This variant is present in population databases (rs752315503, gnomAD 0.06%). This variant has not been reported in the literature in individuals affected with TRAPPC11-related conditions. ClinVar contains an entry for this variant (Variation ID: 861169). Invitae Evidence Modeling of protein sequence and biophysical properties (such as structural, functional, and spatial information, amino acid conservation, physicochemical variation, residue mobility, and thermodynamic stability) indicates that this missense variant is not expected to disrupt TRAPPC11 protein function with a negative predictive value of 80%. In summary, the available evidence is currently insufficient to determine the role of this variant in disease. Therefore, it has been classified as a Variant of Uncertain Significance.

Revvity Omics, Revvity
Classification: Uncertain significance for Autosomal recessive limb-girdle muscular dystrophy type R18. Last evaluated: 2024-06-13. Review status: criteria provided, single submitter. Criteria: ACMG Guidelines, 2015. Collection method: clinical testing. Allele origin: germline.